The following is an entry in ClinVar:

ClinVar aggregate classification (germline): Uncertain significance. Review status: criteria provided, multiple submitters, no conflicts (2 of 4 stars). 14 submissions from 14 submitters: Uncertain significance (14). Last evaluated 2025-11-15.

Conditions:
MYBPC3-related disorder. Also called: MYBPC3-related disorders; MYBPC3-related condition; MYBPC3-related disease.
Hypertrophic cardiomyopathy 4. Also called: Familial hypertrophic cardiomyopathy 4. Identifiers: MedGen C1861862, MONDO:0007268, OMIM 115197.
Left ventricular noncompaction 10 (LVNC10). Identifiers: Orphanet 154, Orphanet 54260, MedGen C3715165, MONDO:0014163, OMIM 615396.
Cardiovascular phenotype. Identifiers: MedGen CN230736.
Cardiomyopathy (CMYO). Also called: Cardiomyopathies. Identifiers: Orphanet 167848, MedGen C0878544, MONDO:0004994, HP:0001638. Inheritance: Various modes of inheritance.
Hypertrophic cardiomyopathy. Also called: HYPERTROPHIC MYOCARDIOPATHY. Identifiers: Orphanet 217569, MedGen C0007194, MeSH D002312, MONDO:0005045, HP:0001639.

Allele frequency attached by ClinVar (database versions not stated): ExAC 0.00009; gnomAD exomes 0.00009 and 0.00006; 1000 Genomes Project 30x 0.00047; 1000 Genomes Project 0.00060; gnomAD 0.00006 and 0.00007; TOPMed 0.00007.
gnomAD v4.1: 138 of 1,613,858 alleles (0.0086%); highest among the groups gnomAD compares: Non-Finnish European, 0.01%; 1 homozygote.

Submissions (14):

Ambry Genetics
Classification: Uncertain significance for Cardiovascular phenotype. Last evaluated: 2025-11-15. Review status: criteria provided, single submitter. Criteria: Ambry Variant Classification Scheme 2023. Collection method: clinical testing. Allele origin: germline.
Comment: The p.R733C variant (also known as c.2197C>T), located in coding exon 23 of the MYBPC3 gene, results from a C to T substitution at nucleotide position 2197. The arginine at codon 733 is replaced by cysteine, an amino acid with highly dissimilar properties. This alteration has been reported in association with hypertrophic cardiomyopathy (HCM), although clinical details were limited (Van Driest SL et al. J. Am. Coll. Cardiol., 2004 Nov;44:1903-10; Walsh R et al. Genet. Med., 2017 Feb;19:192-203). This amino acid position is not well conserved in available vertebrate species. In addition, the in silico prediction for this alteration is inconclusive. Since supporting evidence is limited at this time, the clinical significance of this alteration remains unclear.

PreventionGenetics, part of Exact Sciences
Classification: Uncertain significance for MYBPC3-related condition. Last evaluated: 2025-10-31. Review status: criteria provided, single submitter. Criteria: ACMG Guidelines, 2015. Collection method: clinical testing. Allele origin: germline.
Comment: The MYBPC3 c.2197C>T variant is predicted to result in the amino acid substitution p.Arg733Cys. This variant has been reported in individuals with hypertrophic cardiomyopathy (Van Driest et al. 2004. PubMed ID: 15519027; Tables S1A and S1B, Walsh et al. 2016. PubMed ID: 27532257); however, it has also been documented in reference populations (Table S8, McGurk et al. 2023. PubMed ID: 37652022). This variant is reported in 0.015% of alleles in individuals of East Asian descent in gnomAD and is interpreted as uncertain significance in ClinVar (Variation ID: 42607). At this time, the clinical significance of this variant is uncertain due to the absence of conclusive functional and genetic evidence.

Molecular Diagnostic Laboratory for Inherited Cardiovascular Disease, Montreal Heart Institute
Classification: Uncertain significance for Cardiovascular phenotype. Last evaluated: 2025-04-09. Review status: criteria provided, single submitter. Criteria: ACMG Guidelines, 2015. Collection method: clinical testing. Allele origin: germline. Affected: yes.

Labcorp Genetics (formerly Invitae), Labcorp
Classification: Uncertain significance for Hypertrophic cardiomyopathy. Last evaluated: 2024-11-03. Review status: criteria provided, single submitter. Criteria: Invitae Variant Classification Sherloc (09022015). Collection method: clinical testing. Allele origin: germline.
Comment: This sequence change replaces arginine, which is basic and polar, with cysteine, which is neutral and slightly polar, at codon 733 of the MYBPC3 protein (p.Arg733Cys). This variant is present in population databases (rs397515956, gnomAD 0.02%). This missense change has been observed in individual(s) with hypertrophic cardiomyopathy (PMID: 15519027, 27532257, 37652022). ClinVar contains an entry for this variant (Variation ID: 42607). An algorithm developed specifically for the MYBPC3 gene suggests that this missense change is likely to be tolerated (PMID: 21310275). In summary, the available evidence is currently insufficient to determine the role of this variant in disease. Therefore, it has been classified as a Variant of Uncertain Significance.

All of Us Research Program, National Institutes of Health
Classification: Uncertain significance for Hypertrophic cardiomyopathy. Last evaluated: 2024-09-23. Review status: criteria provided, single submitter. Criteria: ACMG Guidelines, 2015. Collection method: clinical testing. Allele origin: germline. Inheritance: Autosomal dominant inheritance. Observed: 18 variant alleles, 18 heterozygotes.
Comment: This missense variant replaces arginine with cysteine at codon 733 of the MYBPC3 protein. Computational prediction suggests that this variant may not impact protein structure and function (internally defined REVEL score threshold <= 0.5, PMID: 27666373). Splice site prediction tools suggest that this variant may not impact RNA splicing. To our knowledge, functional studies have not been reported for this variant. This variant has been reported in a few individuals affected with hypertrophic cardiomyopathy (PMID: 15519027, 27532257, 33782553) and in a healthy control individual (PMID: 24510615). This variant has been identified in 17/280042 chromosomes in the general population by the Genome Aggregation Database (gnomAD). The available evidence is insufficient to determine the role of this variant in disease conclusively. Therefore, this variant is classified as a Variant of Uncertain Significance.

This study involves interpretation of variants in research participants for the purpose of population health screening. Participant phenotype was not available at the time of variant classification. Additional details can be found in publication PMID: 35346344, PMCID: PMC8962531

Color Diagnostics, LLC DBA Color Health
Classification: Uncertain significance for Cardiomyopathy. Last evaluated: 2024-04-25. Review status: criteria provided, single submitter. Criteria: ACMG Guidelines, 2015. Collection method: clinical testing. Allele origin: germline.
Comment: This missense variant replaces arginine with cysteine at codon 733 of the MYBPC3 protein. Computational prediction tools indicate that this variant has a neutral impact on protein structure and function. To our knowledge, functional studies have not been reported for this variant. This variant has been reported in two individuals affected with hypertrophic cardiomyopathy (PMID: 15519027, 27532257, 33782553). This variant has been identified in 17/280042 chromosomes in the general population by the Genome Aggregation Database (gnomAD). The available evidence is insufficient to determine the role of this variant in disease conclusively. Therefore, this variant is classified as a Variant of Uncertain Significance.

GeneDx
Classification: Uncertain significance. Last evaluated: 2023-11-07. Review status: criteria provided, single submitter. Criteria: GeneDx Variant Classification Process June 2021. Collection method: clinical testing. Allele origin: germline. Affected: yes.
Comment: Reported in individuals referred for HCM genetic testing at GeneDx and in the published literature (PMID: 15519027, 27532257) as well as in one control individual (PMID: 24510615); In silico analysis supports that this missense variant does not alter protein structure/function; This variant is associated with the following publications: (PMID: 21415409, 27532257, 24510615, 34426522, 21310275, 30681346, 30937429, 26659599, 31983221, 15519027)

Blueprint Genetics
Classification: Uncertain significance. Last evaluated: 2023-05-30. Review status: criteria provided, single submitter. Criteria: ACMG Guidelines, 2015. Collection method: clinical testing. Allele origin: germline.

Fulgent Genetics
Classification: Uncertain significance for Hypertrophic cardiomyopathy 4; Left ventricular noncompaction 10. Last evaluated: 2021-10-01. Review status: criteria provided, single submitter. Criteria: ACMG Guidelines, 2015. Collection method: clinical testing. Allele origin: unknown.

Mendelics
Classification: Uncertain significance for Hypertrophic cardiomyopathy 4. Last evaluated: 2019-05-28. Review status: criteria provided, single submitter. Criteria: Mendelics Assertion Criteria 2017. Collection method: clinical testing. Allele origin: unknown.

Laboratory for Molecular Medicine, Mass General Brigham Personalized Medicine
Classification: Uncertain significance for Hypertrophic cardiomyopathy. Last evaluated: 2019-04-05. Review status: criteria provided, single submitter. Criteria: ACMG Guidelines, 2015. Collection method: clinical testing. Allele origin: germline.
Comment: The p.Arg733Cys variant in MYBPC3 has been reported in at least 2 individuals with HCM (Van Driest 2004, LMM data). This variant has been identified in 9/126440 of European chromosomes by the Genome Aggregation Database (gnomAD; dbSNP rs397515956). This variant has been reported in ClinVar (Variant ID: 42607). Clinvar: VUS (5 submitters). Arginine (Arg) at position 733 is not conserved in mammals, or evolutionarily distant species and the change to cystine (Cys) was predicted to be benign using a computational tool clinically validated by our laboratory. This tool's benign prediction is estimated to be correct 89% of the time (Jordan 2011). In addition, this amino acid change is present in the rhesus macaque. In summary, the clinical significance of the p.Arg733Cys variant is uncertain.

SIB Swiss Institute of Bioinformatics
Classification: Uncertain significance for Hypertrophic cardiomyopathy 4. Last evaluated: 2018-05-31. Review status: criteria provided, single submitter. Criteria: ACMG Guidelines, 2015. Collection method: curation. Allele origin: unknown.
Comment: This variant is interpreted as a Uncertain Significance - Insufficient Evidence, for Cardiomyopathy, familial hypertrophic, 4, in Autosomal Dominant manner. The following ACMG Tag(s) were applied: PM2-Supporting =>PM2 downgraded in strength to Supporting.

Agnes Ginges Centre for Molecular Cardiology, Centenary Institute
Classification: Uncertain significance for Hypertrophic cardiomyopathy 4. Last evaluated: 2017-03-22. Review status: criteria provided, single submitter. Criteria: ACMG Guidelines, 2015. Collection method: research. Allele origin: germline. Affected: yes.
Comment: This MYBPC3 Arg733Cys variant has been reported in 1 HCM proband by Van Driest et al. (2004) in their cohort of 389 unrelated HCM probands, where only the MYBPC3 gene was screened and 2 HCM probands by Walsh et al. (2017). The variant has also been identified in 1 control (Kapplinger JD, et al., 2014) and is present in the Exome Aggregation Consortium dataset at an allele frequency >0.00008, which is higher then expected for HCM. Computational analyses (SIFT, MutationTaster) support a potentially deleterious effect. However, a tool specifically designed to predict the effects of missense variants in HCM genes (Jordan DM, et al., 2011), predicts this variant to have a "benign" affect. Based on the elevated allele frequency in the general population, observation of the variant in 1 control and a total of 4 HCM probands, we classify MYBPC3 Arg733Cys as variant of "uncertain significance".

Stanford Center for Inherited Cardiovascular Disease, Stanford University
Classification: Uncertain significance. Last evaluated: 2015-02-25. Review status: criteria provided, single submitter. Criteria: ACMG Guidelines, 2015. Collection method: provider interpretation. Allele origin: germline.

Literature cited by the submitters: PubMed 15519027 (cited by 6 submitters); PubMed 27532257 (cited by 5 submitters); PubMed 37652022 (cited by Labcorp Genetics (formerly Invitae), Labcorp); PubMed 21310275 (cited by Labcorp Genetics (formerly Invitae), Labcorp); PubMed 24510615 (cited by All of Us Research Program, National Institutes of Health and Agnes Ginges Centre for Molecular Cardiology, Centenary Institute); PubMed 33782553 (cited by All of Us Research Program, National Institutes of Health and Color Diagnostics, LLC DBA Color Health).

NM_000256.3(MYBPC3):c.2197C>T (p.Arg733Cys)

Gene: MYBPC3 (myosin binding protein C3; minus strand). Cytogenetic location: 11p11.2.
Variant type: single nucleotide variant.
Coding change: c.2197C>T on transcript NM_000256.3 (MANE Select); coding-DNA position 2197, C replaced by T.
Protein change: p.Arg733Cys; replaces arginine 733 with cysteine.
Molecular consequence: missense variant.
Genome position (GRCh38, 1-based): chr11:47,338,631, G>A on the plus strand (C>T on the coding strand, the complement: MYBPC3 is on the minus strand). VCF-style: chr11-47338631-G-A. GRCh37 (hg19) VCF-style: chr11-47360182-G-A.
Other names: p.R733C:CGC>TGC; NM_000256.3(MYBPC3):c.2197C>T(p.Arg733Cys); short protein forms R733C.
Identifiers: ClinVar variation 42607 (VCV000042607.33), dbSNP rs397515956, ClinGen allele CA011877.